The following is an entry in ClinVar:

ClinVar aggregate classification (germline): Uncertain significance (1 of 4 stars; one submission).

Conditions:
Inborn genetic diseases. Identifiers: MedGen C0950123, MeSH D030342.

Submission:

Ambry Genetics
Classification: Uncertain significance for Inborn genetic diseases. Last evaluated: 2022-06-14. Review status: criteria provided, single submitter. Criteria: Ambry Variant Classification Scheme 2023. Collection method: clinical testing. Allele origin: germline.
Comment: The c.7204A>G (p.N2402D) alteration is located in exon 8 (coding exon 8) of the ZNF292 gene. This alteration results from an A to G substitution at nucleotide position 7204, causing the asparagine (N) at amino acid position 2402 to be replaced by an aspartic acid (D). This variant was not reported in population-based cohorts in the Genome Aggregation Database (gnomAD). This amino acid position is not well conserved in available vertebrate species. This alteration is predicted to be tolerated by in silico analysis. Based on insufficient or conflicting evidence, the clinical significance of this alteration remains unclear.

NM_015021.3(ZNF292):c.7204A>G (p.Asn2402Asp)

Gene: ZNF292 (zinc finger protein 292; plus strand). Cytogenetic location: 6q14.3.
Variant type: single nucleotide variant.
Coding change: c.7204A>G on transcript NM_015021.3 (MANE Select); coding-DNA position 7204, A replaced by G.
Protein change: p.Asn2402Asp; replaces asparagine 2402 with aspartic acid.
Molecular consequence: missense variant.
Genome position (GRCh38, 1-based): chr6:87,260,833, A>G. VCF-style: chr6-87260833-A-G. GRCh37 (hg19) VCF-style: chr6-87970551-A-G.
Other names: c.6784A>G, p.Asn2262Asp (NM_001351444.2); short protein forms N2402D, N2262D.
Identifiers: ClinVar variation 2286354 (VCV002286354.2), dbSNP rs2482367921, ClinGen allele CA364942761.